The following is an entry in ClinVar:

NM_000465.4(BARD1):c.1315-3T>C

Gene: BARD1 (BRCA1 associated RING domain 1; minus strand). Cytogenetic location: 2q35.
Variant type: single nucleotide variant.
Coding change: c.1315-3T>C on transcript NM_000465.4 (MANE Select); 3 bases into the intron before coding-DNA position 1315, T replaced by C.
Molecular consequence: intron variant.
Genome position (GRCh38, 1-based): chr2:214,769,315, A>G on the plus strand (T>C on the coding strand, the complement: BARD1 is on the minus strand). VCF-style: chr2-214769315-A-G. GRCh37 (hg19) VCF-style: chr2-215634039-A-G.
Other names: c.159-16760T>C (NM_001282548.2); c.1258-3T>C (NM_001282543.2); c.216-16760T>C (NM_001282545.2); c.364+22982T>C (NM_001282549.2).
Identifiers: ClinVar variation 3620489 (VCV003620489.2).

ClinVar aggregate classification (germline): Uncertain significance (1 of 4 stars; one submission).

Conditions:
Familial cancer of breast. Also called: Hereditary breast cancer; hereditary breast carcinoma; BREAST CANCER, FAMILIAL. Identifiers: Orphanet 227535, MedGen C0346153, MONDO:0016419, OMIM 114480. Disease mechanism: loss of function.

Submission:

Labcorp Genetics (formerly Invitae), Labcorp
Classification: Uncertain significance for Familial cancer of breast. Last evaluated: 2024-03-29. Review status: criteria provided, single submitter. Criteria: Invitae Variant Classification Sherloc (09022015). Collection method: clinical testing. Allele origin: germline.
Comment: This sequence change falls in intron 4 of the BARD1 gene. It does not directly change the encoded amino acid sequence of the BARD1 protein. It affects a nucleotide within the consensus splice site. This variant is not present in population databases (gnomAD no frequency). This variant has not been reported in the literature in individuals affected with BARD1-related conditions. Variants that disrupt the consensus splice site are a relatively common cause of aberrant splicing (PMID: 17576681, 9536098). Algorithms developed to predict the effect of sequence changes on RNA splicing suggest that this variant is not likely to affect RNA splicing. In summary, the available evidence is currently insufficient to determine the role of this variant in disease. Therefore, it has been classified as a Variant of Uncertain Significance.

Literature cited by the submitters: PubMed 17576681; PubMed 9536098.